The following is an entry in ClinVar:

ClinVar aggregate classification (germline): Uncertain significance (1 of 4 stars; one submission).

Allele frequency attached by ClinVar (database versions not stated): gnomAD exomes below 0.00001.
gnomAD v4.1: 2 of 1,614,058 alleles (0.00012%); highest among the groups gnomAD compares: Non-Finnish European, 0.00017%; no homozygotes.

Submission:

Labcorp Genetics (formerly Invitae), Labcorp
Classification: Uncertain significance. Last evaluated: 2022-08-03. Review status: criteria provided, single submitter. Criteria: Invitae Variant Classification Sherloc (09022015). Collection method: clinical testing. Allele origin: germline.
Comment: This sequence change affects codon 613 of the USH2A mRNA. It is a 'silent' change, meaning that it does not change the encoded amino acid sequence of the USH2A protein. It affects a nucleotide within the consensus splice site. This variant is not present in population databases (gnomAD no frequency). This variant has not been reported in the literature in individuals affected with USH2A-related conditions. ClinVar contains an entry for this variant (Variation ID: 1524313). Algorithms developed to predict the effect of sequence changes on RNA splicing suggest that this variant is not likely to affect RNA splicing. In summary, the available evidence is currently insufficient to determine the role of this variant in disease. Therefore, it has been classified as a Variant of Uncertain Significance.

NM_206933.4(USH2A):c.1839A>G (p.Thr613=)

Gene: USH2A (usherin; minus strand). Cytogenetic location: 1q41.
Variant type: single nucleotide variant.
Coding change: c.1839A>G on transcript NM_206933.4 (MANE Select); coding-DNA position 1839, A replaced by G.
Protein change: p.Thr613=; no amino-acid change (threonine 613 retained).
Molecular consequence: synonymous variant.
Genome position (GRCh38, 1-based): chr1:216,292,176, T>C on the plus strand (A>G on the coding strand, the complement: USH2A is on the minus strand). VCF-style: chr1-216292176-T-C. GRCh37 (hg19) VCF-style: chr1-216465518-T-C.
Other names: c.1839A>G, p.Thr613= (NM_007123.6).
Identifiers: ClinVar variation 1524313 (VCV001524313.5), dbSNP rs950551285, ClinGen allele CA37892152.
Genomic context (GRCh38, chr1:216,292,176, plus strand): 5'-CATTGTAGATAGAAGCACACAGGCCTCCAAACCAACTCAGGAATTTATTTGCTACTTACC[T>C]GTAGTGTTATGCTCACAATCATCACAAACTCCTCCTCCCCCTCTGAAGTGCTCAAAAGGA-3'
Protein context (NP_996816.3, residues 603-623): GVCDDCEHNT[Thr613=]GRNCELCKDY